The following continues an entry in ClinVar:

NM_000492.4(CFTR):c.3209G>A (p.Arg1070Gln)

ClinVar aggregate classification (germline): drug response. drug response (1).

Submissions 16 to 33 of 33:

Fulgent Genetics
Classification: Likely pathogenic for Hereditary pancreatitis; Bronchiectasis with or without elevated sweat chloride 1; Cystic fibrosis; Congenital bilateral aplasia of vas deferens from CFTR mutation. Last evaluated: 2024-06-24. Review status: criteria provided, single submitter. Criteria: ACMG Guidelines, 2015. Collection method: clinical testing. Allele origin: germline. Not counted in ClinVar's aggregate classification.

Baylor Genetics
Classification: Pathogenic for Bronchiectasis with or without elevated sweat chloride 1. Last evaluated: 2024-03-28. Review status: criteria provided, single submitter. Criteria: ACMG Guidelines, 2015. Collection method: clinical testing. Allele origin: unknown. Not counted in ClinVar's aggregate classification.

Quest Diagnostics Nichols Institute San Juan Capistrano
Classification: Pathogenic. Last evaluated: 2023-07-07. Review status: criteria provided, single submitter. Criteria: Quest Diagnostics criteria. Collection method: clinical testing. Allele origin: unknown. Not counted in ClinVar's aggregate classification.
Comment: The CFTR c.3209G>A (p.Arg1070Gln) variant has been reported in the published literature in individuals with cystic fibrosis (PMID: 7683628 (1993), 22658665 (2012), 30561903 (2019), 18951463 (2008), 29504914 (2018), 36272381 (2023)) and congenital bilateral absence of the vas deferens (CBAVD) (PMID: 12955726 (2003)). It was also found to cause a mild phenotype in the compound heterozygous state with a second CF-causing variant and was often associated with pancreatic insufficient CF in the presence of S466* variant in cis (PMID: 18951463 (2008), 22658665 (2012)). Published functional studies indicate that this variant affects chloride channel gating causing lower open probability of the channel and lower bicarbonate transport (PMID: 8662892 (1996), 11242048 (2001)). The frequency of this variant in the general population, 0.0047 (143/30596 chromosomes (Genome Aggregation Database)), is uninformative in the assessment of its pathogenicity. Based on the available information, this variant is classified as pathogenic.

Revvity Omics, Revvity
Classification: Pathogenic. Last evaluated: 2023-06-21. Review status: criteria provided, single submitter. Criteria: ACMG Guidelines, 2015. Collection method: clinical testing. Allele origin: germline. Not counted in ClinVar's aggregate classification.

Neuberg Centre For Genomic Medicine, NCGM
Classification: Pathogenic for Hereditary pancreatitis. Last evaluated: 2023-05-20. Review status: criteria provided, single submitter. Criteria: ACMG Guidelines, 2015. Collection method: clinical testing. Allele origin: germline. Inheritance: Autosomal dominant inheritance. Affected: yes. Not counted in ClinVar's aggregate classification.
Comment: The missense c.3209G>A (p.Arg1070Gln) variant in CFTR gene has been observed in multiple individuals affected with CFTR-related disorders (Feldmann et al., 2003, Frenţescu et al., 2008; Krasnov et al., 2008). Experimental studies showed that this variant cause relatively subtle channel defects with functional consequences of a lower open probability of the channel, lower cyclic AMP-stimulated iodide efflux, lower bicarbonate and anion transport (Seibert et al., 1996; Cotten et al., 1996; Krasnov et al., 2008; Sosnay et al., 2013). The p.Arg1070Gln variant is present with allele frequency of 0.06% in gnomAD Exomes. This variant has been submitted to the ClinVar database as Uncertain Significance / Likely Pathogenic / Pathogenic (multiple submissions). Computational evidence (Polyphen - Probably damaging, SIFT - Tolerated and MutationTaster - Disease causing) predicts conflicting evidence on protein structure and function for this variant. The reference amino acid of p.Arg1070Gln in CFTR is predicted as conserved by GERP++ and PhyloP across 100 vertebrates. The amino acid Arg at position 1070 is changed to a Gln changing protein sequence and it might alter its composition and physico-chemical properties. For these reasons, this variant has been classified as Pathogenic.

Institute of Reproductive Genetics, University of Münster
Classification: Pathogenic for Obstructive azoospermia. Last evaluated: 2022-03-16. Review status: criteria provided, single submitter. Criteria: ACMG Guidelines, 2015. Collection method: clinical testing. Allele origin: germline. Affected: yes. Observed: 1 variant allele. Not counted in ClinVar's aggregate classification.

Genome-Nilou Lab
Classification: Likely pathogenic for Cystic fibrosis. Last evaluated: 2021-07-22. Review status: criteria provided, single submitter. Criteria: ACMG Guidelines, 2015. Collection method: clinical testing. Allele origin: germline. Affected: no. Not counted in ClinVar's aggregate classification.

Genetics and Genomic Medicine Centre, NeuroGen Healthcare, NeuroGen Healthcare
Classification: Likely pathogenic for Congenital bilateral aplasia of vas deferens from CFTR mutation. Last evaluated: 2020-12-14. Review status: criteria provided, single submitter. Criteria: Submitter's publication. Collection method: clinical testing. Allele origin: unknown. Affected: no. Not counted in ClinVar's aggregate classification.

Genome Diagnostics Laboratory, The Hospital for Sick Children
Classification: Uncertain significance for Cystic fibrosis. Last evaluated: 2019-08-29. Review status: criteria provided, single submitter. Criteria: ACMG Guidelines, 2015. Collection method: clinical testing. Allele origin: germline. Not counted in ClinVar's aggregate classification.

Mendelics
Classification: Uncertain significance for Cystic fibrosis. Last evaluated: 2018-11-05. Review status: criteria provided, single submitter. Criteria: Mendelics Assertion Criteria 2017. Collection method: clinical testing. Allele origin: unknown. Affected: yes. Not counted in ClinVar's aggregate classification.

CFTR-France
Classification: Pathogenic for cystic fibrosis; CFTR-related disorders. Last evaluated: 2015-07-03. Review status: criteria provided, single submitter. Criteria: Claustres M et al. (Hum Mutat 2017). Collection method: curation. Allele origin: germline. Affected: yes. Not counted in ClinVar's aggregate classification.
Comment: when the variant is in trans with another CF-causing variation, can either result in CF or in a CFTR-RD

Eurofins Ntd Llc (ga)
Classification: Pathogenic. Last evaluated: 2015-04-28. Review status: criteria provided, single submitter. Criteria: EGL Classification Definitions 2015. Collection method: clinical testing. Allele origin: germline. Observed: 1 variant allele, 1 heterozygote. Not counted in ClinVar's aggregate classification.

Baylor Genetics
Classification: Pathogenic for Congenital bilateral aplasia of vas deferens from CFTR mutation; Cystic fibrosis. Review status: criteria provided, single submitter. Criteria: ACMG Guidelines, 2015. Collection method: clinical testing. Allele origin: germline. Not counted in ClinVar's aggregate classification.

CENTOGENE GmbH and LLC - Guiding Precision Medicine
Classification: Pathogenic for Cystic fibrosis. Review status: criteria provided, single submitter. Criteria: ACMG Guidelines, 2015. Collection method: clinical testing. Allele origin: germline. Affected: yes. Not counted in ClinVar's aggregate classification.

Juno Genomics, Hangzhou Juno Genomics, Inc
Classification: Pathogenic for Congenital bilateral aplasia of vas deferens from CFTR mutation; Cystic fibrosis. Review status: criteria provided, single submitter. Criteria: ACMG Guidelines, 2015. Collection method: clinical testing. Allele origin: germline. Affected: yes. Not counted in ClinVar's aggregate classification.
Comment: For recessive disorders, detected in trans with a pathogenic variant.;Novel missense change at an amino acid residue where a different missense change determined to be pathogenic has been seen before.

Neuberg Centre For Genomic Medicine, NCGM
Classification: Pathogenic for Cystic fibrosis. Review status: criteria provided, single submitter. Criteria: ACMG Guidelines, 2015. Collection method: clinical testing. Allele origin: germline. Inheritance: Autosomal recessive inheritance. Affected: yes. Not counted in ClinVar's aggregate classification.
Comment: The observed missense c.3209G>A(p.Arg1070Gln) variant in CFTR gene has been observed in the compound heterozygous state in multiple individuals affected with cystic fibrosis (Feldmann et al., 2003, Krasnov et al., 2008). Experimental studies have shown that this missense change affects CFTR function (Van Goor et al., 2014). The p.Arg1070Gln variant has been reported with allele frequency of 0.06% in gnomAD Exomes. This variant has been submitted to the ClinVar database as Uncertain Significance / Likely Pathogenic / Pathogenic (multiple submissions). The amino acid change p.Arg1070Gln in CFTR is predicted as conserved by GERP++ and PhyloP across 100 vertebrates. For these reasons, this variant has been classified as Pathogenic. In absence of another reportable variant in CFTR gene, the molecular diagnosis is not confirmed.

Genome Diagnostics Laboratory, The Hospital for Sick Children
Classification: Pathogenic for CFTR-related disorders. Last evaluated: 2019-08-29. Review status: no assertion criteria provided. Collection method: clinical testing. Allele origin: germline. Not counted in ClinVar's aggregate classification.

Counsyl
Classification: Likely pathogenic for Cystic fibrosis. Last evaluated: 2014-05-18. Review status: no assertion criteria provided. Collection method: literature only. Allele origin: unknown. Inheritance: Autosomal recessive inheritance. Not counted in ClinVar's aggregate classification.

Literature cited by the submitters: PubMed 23891399 (cited by 5 submitters); PubMed 12955726 (cited by 6 submitters); PubMed 18467194 (cited by 3 submitters); PubMed 18951463 (cited by 7 submitters); PubMed 8662892 (cited by 5 submitters); PubMed 8702904 (cited by Labcorp Genetics (formerly Invitae), Labcorp and Counsyl); PubMed 11242048 (cited by 4 submitters); PubMed 7539342 (cited by Labcorp Genetics (formerly Invitae), Labcorp and 3billion); PubMed 16189704 (cited by Labcorp Genetics (formerly Invitae), Labcorp); PubMed 21520337 (cited by Labcorp Genetics (formerly Invitae), Labcorp); PubMed 23974870 (cited by 5 submitters); PubMed 33083013 (cited by Natera, Inc.); PubMed 32084388 (cited by Natera, Inc.); PubMed 8947061 (cited by Natera, Inc.); PubMed 7683628 (cited by 4 submitters); PubMed 16049310 (cited by Women's Health and Genetics/Laboratory Corporation of America, LabCorp); PubMed 12007216 (cited by Women's Health and Genetics/Laboratory Corporation of America, LabCorp); PubMed 17489851 (cited by Women's Health and Genetics/Laboratory Corporation of America, LabCorp); PubMed 15880796 (cited by Women's Health and Genetics/Laboratory Corporation of America, LabCorp); PubMed 7512860 (cited by Women's Health and Genetics/Laboratory Corporation of America, LabCorp); PubMed 1284534 (cited by Women's Health and Genetics/Laboratory Corporation of America, LabCorp); PubMed 7544320 (cited by Women's Health and Genetics/Laboratory Corporation of America, LabCorp); PubMed 7529319 (cited by Women's Health and Genetics/Laboratory Corporation of America, LabCorp); PubMed 19707853 (cited by Women's Health and Genetics/Laboratory Corporation of America, LabCorp); PubMed 25087612 (cited by Women's Health and Genetics/Laboratory Corporation of America, LabCorp and Quest Diagnostics Nichols Institute San Juan Capistrano); PubMed 26014425 (cited by Women's Health and Genetics/Laboratory Corporation of America, LabCorp and Ambry Genetics); PubMed 25910067 (cited by Women's Health and Genetics/Laboratory Corporation of America, LabCorp and Ambry Genetics); PubMed 27209008 (cited by Women's Health and Genetics/Laboratory Corporation of America, LabCorp); PubMed 27171515 (cited by Women's Health and Genetics/Laboratory Corporation of America, LabCorp); PubMed 28546993 (cited by Women's Health and Genetics/Laboratory Corporation of America, LabCorp); PubMed 29504914 (cited by Women's Health and Genetics/Laboratory Corporation of America, LabCorp and Quest Diagnostics Nichols Institute San Juan Capistrano); PubMed 30930780 (cited by Women's Health and Genetics/Laboratory Corporation of America, LabCorp); PubMed 30561903 (cited by Women's Health and Genetics/Laboratory Corporation of America, LabCorp and Quest Diagnostics Nichols Institute San Juan Capistrano); PubMed 36272381 (cited by Women's Health and Genetics/Laboratory Corporation of America, LabCorp and Quest Diagnostics Nichols Institute San Juan Capistrano); PubMed 38388235 (cited by Women's Health and Genetics/Laboratory Corporation of America, LabCorp and Johns Hopkins Genomics, Johns Hopkins University); PubMed 39532587 (cited by Women's Health and Genetics/Laboratory Corporation of America, LabCorp); PubMed 39502765 (cited by Women's Health and Genetics/Laboratory Corporation of America, LabCorp); PubMed 25826586 (cited by Ambry Genetics); PubMed 20021716 (cited by Quest Diagnostics Nichols Institute San Juan Capistrano); PubMed 22975760 (cited by Quest Diagnostics Nichols Institute San Juan Capistrano); PubMed 22658665 (cited by Quest Diagnostics Nichols Institute San Juan Capistrano).